The following is an entry in ClinVar:

ClinVar aggregate classification (germline): Uncertain significance (1 of 4 stars; one submission).

Conditions:
Hereditary cancer-predisposing syndrome. Also called: Tumor predisposition; Neoplastic Syndromes, Hereditary; Hereditary Cancer Syndrome; Hereditary neoplastic syndrome. Identifiers: Orphanet 140162, MedGen C0027672, MeSH D009386, MONDO:0015356.

Submission:

Ambry Genetics
Classification: Uncertain significance for Hereditary cancer-predisposing syndrome. Last evaluated: 2024-09-10. Review status: criteria provided, single submitter. Criteria: Ambry Variant Classification Scheme 2023. Collection method: clinical testing. Allele origin: germline.
Comment: The p.M272I variant (also known as c.816G>T), located in coding exon 6 of the CDH1 gene, results from a G to T substitution at nucleotide position 816. The methionine at codon 272 is replaced by isoleucine, an amino acid with highly similar properties. This amino acid position is conserved. In addition, this alteration is predicted to be tolerated by in silico analysis. Based on the available evidence, the clinical significance of this variant remains unclear.

NM_004360.5(CDH1):c.816G>T (p.Met272Ile)

Gene: CDH1 (cadherin 1; plus strand). Cytogenetic location: 16q22.1.
Variant type: single nucleotide variant.
Coding change: c.816G>T on transcript NM_004360.5 (MANE Select); coding-DNA position 816, G replaced by T.
Protein change: p.Met272Ile; replaces methionine 272 with isoleucine.
Molecular consequence: missense variant. On other transcripts: 5 prime UTR variant (2).
Genome position (GRCh38, 1-based): chr16:68,810,325, G>T. VCF-style: chr16-68810325-G-T. GRCh37 (hg19) VCF-style: chr16-68844228-G-T.
Other names: c.816G>T, p.Met272Ile (NM_001317184.2); c.-800G>T (NM_001317185.2); c.-1004G>T (NM_001317186.2); short protein forms M272I.
Identifiers: ClinVar variation 3488653 (VCV003488653.1).
Genomic context (GRCh38, chr16:68,810,325, plus strand): 5'-AACCGATCAGAATGACAACAAGCCCGAATTCACCCAGGAGGTCTTTAAGGGGTCTGTCAT[G>T]GAAGGTGCTCTTCCAGGTATATCCACTAATGAGAATCTGAATACTCAGAAAGACTCTTAG-3'
Protein context (NP_004351.1, residues 262-282): FTQEVFKGSV[Met272Ile]EGALPGTSVM